The following is an entry in ClinVar:

NM_015100.4(POGZ):c.3694C>T (p.Arg1232Cys)

Gene: POGZ (pogo transposable element derived with ZNF domain; minus strand). Cytogenetic location: 1q21.3.
Variant type: single nucleotide variant.
Coding change: c.3694C>T on transcript NM_015100.4 (MANE Select); coding-DNA position 3694, C replaced by T.
Protein change: p.Arg1232Cys; replaces arginine 1232 with cysteine.
Molecular consequence: missense variant.
Genome position (GRCh38, 1-based): chr1:151,405,341, G>A on the plus strand (C>T on the coding strand, the complement: POGZ is on the minus strand). VCF-style: chr1-151405341-G-A. GRCh37 (hg19) VCF-style: chr1-151377817-G-A.
Other names: c.3667C>T, p.Arg1223Cys (NM_001194937.2); c.3508C>T, p.Arg1170Cys (NM_001194938.2); c.3409C>T, p.Arg1137Cys (NM_145796.4); c.3535C>T, p.Arg1179Cys (NM_207171.2); short protein forms R1137C, R1170C, R1179C, R1223C, R1232C.
Identifiers: ClinVar variation 1702686 (VCV001702686.5), dbSNP rs866898562, ClinGen allele CA29568786.

ClinVar aggregate classification (germline): Conflicting classifications of pathogenicity. Review status: criteria provided, conflicting classifications (1 of 4 stars). 2 submissions from 2 submitters: Likely pathogenic (1); Uncertain significance (1). Last evaluated 2025-02-06.

Conditions:
Intellectual disability-microcephaly-strabismus-behavioral abnormalities syndrome. Also called: White-Sutton Syndrome. Identifiers: Orphanet 468678, MedGen C4225351, MONDO:0014606, OMIM 616364.

Submissions (2):

Victorian Clinical Genetics Services, Murdoch Childrens Research Institute
Classification: Likely pathogenic for Intellectual disability-microcephaly-strabismus-behavioral abnormalities syndrome. Last evaluated: 2025-02-06. Review status: criteria provided, single submitter. Criteria: ACMG Guidelines, 2015. Collection method: clinical testing. Allele origin: germline. Affected: yes.
Comment: This variant is classified as Likely pathogenic. Evidence in support of pathogenic classification: Variant is absent from gnomAD (v2, v3 and v4); Missense variant predicted to be damaging by in silico tool(s) or highly conserved with a major amino acid change; Additional information: Variant is predicted to result in a missense amino acid change from arginine to cysteine; This variant is heterozygous; This gene is associated with autosomal dominant disease; Alternative amino acid change(s) at the same position are present in gnomAD (Highest allele count: v4: 2 heterozygote(s), 0 homozygote(s)); Previous evidence of pathogenicity for this variant is inconclusive. This variant has been classified as a VUS by a diagnostic laboratory in ClinVar, and reported in the literature in an individual with a neurodevelopmental disorder (PMID: 33004838); No published segregation evidence has been identified for this variant; No published functional evidence has been identified for this variant; Another missense variant(s) comparable to the one identified in this case has inconclusive previous evidence for pathogenicity. p.(Arg1232HIs) has been classified as a VUS by diagnostic laboratories in ClinVar; Variant is located in the annotated DDE superfamily endonuclease (DECIPHER); Loss of function is a known mechanism of disease in this gene and is associated with White-Sutton syndrome (MIM#616364).

GeneDx
Classification: Uncertain significance. Last evaluated: 2023-06-12. Review status: criteria provided, single submitter. Criteria: GeneDx Variant Classification Process June 2021. Collection method: clinical testing. Allele origin: germline.
Comment: Identified in an individual with a neurodevelopmental disorder, but segregation and detailed clinical information was not provided (Wang et al., 2020); Not observed at significant frequency in large population cohorts (gnomAD); In silico analysis supports that this missense variant does not alter protein structure/function; This variant is associated with the following publications: (PMID: 33004838)

Literature cited by the submitters: PubMed 33004838 (cited by Victorian Clinical Genetics Services, Murdoch Childrens Research Institute).